The following is an entry in ClinVar:

NM_001184880.2(PCDH19):c.1197T>G (p.Tyr399Ter)

Gene: PCDH19 (protocadherin 19; minus strand). Cytogenetic location: Xq22.1.
Variant type: single nucleotide variant.
Coding change: c.1197T>G on transcript NM_001184880.2 (MANE Select); coding-DNA position 1197, T replaced by G.
Protein change: p.Tyr399Ter; replaces tyrosine 399 with a stop codon.
Molecular consequence: nonsense.
Genome position (GRCh38, 1-based): chrX:100,407,401, A>C on the plus strand (T>G on the coding strand, the complement: PCDH19 is on the minus strand). VCF-style: chrX-100407401-A-C. GRCh37 (hg19) VCF-style: chrX-99662399-A-C.
Other names: c.1197T>G, p.Tyr399Ter (NM_001105243.2, NM_020766.3); short protein forms Y399*.
Identifiers: ClinVar variation 1410599 (VCV001410599.8), dbSNP rs2147539361, ClinGen allele CA414003742.
Genomic context (GRCh38, chrX:100,407,401, plus strand): 5'-GTATTGGTCGTGCTGCTCGCGGTCCAGCCGTCCGTCCACCAGAATAGTGGAGAAGCTCTC[A>C]TATTCCTGCAGTCGAAAGGGCACATTGCCCAGCAAACGGCACTGCACACGTCCATTGAGG-3'

ClinVar aggregate classification (germline): Pathogenic (1 of 4 stars; one submission).

Conditions:
Developmental and epileptic encephalopathy, 9 (DEE9). Also called: PCDH19-Related X-Linked Female-Limited Epilepsy with Mental Retardation; Early infantile epileptic encephalopathy 9; EPILEPSY, FEMALE-RESTRICTED, WITH MENTAL RETARDATION; JUBERG-HELLMAN SYNDROME. Identifiers: Orphanet 101039, Orphanet 2076, MedGen C1848137, MONDO:0010246, OMIM 300088. Disease mechanism: loss of function.

Submission:

Labcorp Genetics (formerly Invitae), Labcorp
Classification: Pathogenic for Developmental and epileptic encephalopathy, 9. Last evaluated: 2021-06-13. Review status: criteria provided, single submitter. Criteria: Invitae Variant Classification Sherloc (09022015). Collection method: clinical testing. Allele origin: germline.
Comment: This sequence change creates a premature translational stop signal (p.Tyr399*) in the PCDH19 gene. It is expected to result in an absent or disrupted protein product. Loss-of-function variants in PCDH19 are known to be pathogenic (PMID: 21053371). This variant is not present in population databases (ExAC no frequency). This variant has been observed in individual(s) with PCDH19-related conditions (PMID: 28690234). In at least one individual the variant was observed to be de novo. For these reasons, this variant has been classified as Pathogenic.

Literature cited by the submitters: PubMed 21053371; PubMed 28690234.